The following is an entry in ClinVar:

NM_005027.4(PIK3R2):c.-5C>T

Gene: PIK3R2 (phosphoinositide-3-kinase regulatory subunit 2; plus strand). Cytogenetic location: 19p13.11.
Variant type: single nucleotide variant.
Coding change: c.-5C>T on transcript NM_005027.4 (MANE Select); 5 bases upstream of the start codon, C replaced by T.
Molecular consequence: 5 prime UTR variant. On other transcripts: non-coding transcript variant (2).
Genome position (GRCh38, 1-based): chr19:18,155,875, C>T. VCF-style: chr19-18155875-C-T. GRCh37 (hg19) VCF-style: chr19-18266685-C-T.
Identifiers: ClinVar variation 3045637 (VCV003045637.3), dbSNP rs760900069, ClinGen allele CA9306625.
Genomic context (GRCh38, chr19:18,155,875, plus strand): 5'-CAATGGGGCCAGTGGGGCTCCAAGCAGCCACCTAACCATCCAGACCCCACCCCACTCACG[C>T]GGCCATGGCGGGCCCTGAGGGCTTCCAGTACCGCGCTCTGTACCCGTTCCGCCGGGAGCG-3'

ClinVar aggregate classification (germline): Uncertain significance. Review status: criteria provided, single submitter (1 of 4 stars). 2 submissions from 2 submitters: Uncertain significance (1). 1 of the submissions does not count toward it. Last evaluated 2025-11-19.

Conditions:
PIK3R2-related disorder. Also called: PIK3R2-related condition.

Allele frequency attached by ClinVar (database versions not stated): gnomAD 0.00001; gnomAD exomes 0.00002; TOPMed 0.00002; ExAC 0.00016.
gnomAD v4.1: 29 of 1,537,846 alleles (0.0019%); highest among the groups gnomAD compares: Middle Eastern, 0.017%; no homozygotes.

Submissions (2):

Women's Health and Genetics/Laboratory Corporation of America, LabCorp
Classification: Uncertain significance. Last evaluated: 2025-11-19. Review status: criteria provided, single submitter. Criteria: LabCorp Variant Classification Summary - May 2015. Collection method: clinical testing. Allele origin: germline.
Comment: Variant summary: PIK3R2 c.-5C>T is located in the untranslated mRNA region upstream of the initiation codon. The variant allele was found at a frequency of 4.9e-05 in 141850 control chromosomes. The available data on variant occurrences in the general population are insufficient to allow any conclusion about variant significance. To our knowledge, no occurrence of c.-5C>T in individuals affected with PIK3R2-related conditions and no experimental evidence demonstrating its impact on protein function have been reported. ClinVar contains an entry for this variant (Variation ID: 3045637). Based on the evidence outlined above, the variant was classified as uncertain significance.

PreventionGenetics, part of Exact Sciences
Classification: Likely benign for PIK3R2-related condition. Last evaluated: 2019-10-10. Review status: no assertion criteria provided. Collection method: clinical testing. Allele origin: germline. Not counted in ClinVar's aggregate classification.
Comment: This variant is classified as likely benign based on ACMG/AMP sequence variant interpretation guidelines (Richards et al. 2015 PMID: 25741868, with internal and published modifications).